The following is an entry in ClinVar:

NM_130849.4(SLC39A4):c.488del (p.Ile163fs)

Gene: SLC39A4 (solute carrier family 39 member 4; minus strand). Cytogenetic location: 8q24.3.
Variant type: Deletion.
Coding change: c.488del on transcript NM_130849.4 (MANE Select); coding-DNA position 488, one base deleted (T; older notation c.488delT).
Protein change: p.Ile163fs; shifts the reading frame from isoleucine 163.
Molecular consequence: frameshift variant.
Genome position (GRCh38, 1-based): chr8:144,415,406, A deleted on the plus strand (T on the coding strand, the reverse complement: SLC39A4 is on the minus strand). VCF-style (leftmost placement, unchanged base first): chr8-144415405-GA-G. GRCh37 (hg19) VCF-style: chr8-145640789-GA-G.
Other names: c.206del, p.Ile69fs (NM_001374839.1); c.413del, p.Ile138fs (NM_017767.3); short protein forms I138fs, I163fs, I69fs.
Identifiers: ClinVar variation 4816470 (VCV004816470.1).
Genomic context (GRCh38, chr8:144,415,405, plus strand): 5'-CAGGACGCCGCCAGCACTGCCCGGAGCCCCCGCCCCCACCGCCTCCTCCAGCAGCTGAGG[GA>G]TATCTACGCAGGCCTGGGGAAGAGGGGGCCTCCGCCTCAGCCTTTGGTGTGACCTTCTGC-3'

ClinVar aggregate classification (germline): Likely pathogenic (1 of 4 stars; one submission).

Conditions:
Hereditary acrodermatitis enteropathica (AEZ). Also called: Acrodermatitis enteropathica. Identifiers: Orphanet 37, MedGen C0221036, MONDO:0008713, OMIM 201100.

Submission:

Natera, Inc.
Classification: Likely pathogenic for Acrodermatitis enteropathica. Last evaluated: 2024-10-29. Review status: criteria provided, single submitter. Criteria: Natera Variant Classification Schema (03/2026). Collection method: clinical testing. Allele origin: germline.
Comment: The c.488del variant in SLC39A4 is a frameshift variant predicted to shift the reading frame beginning at codon 163 and leads to a stop codon 57 codons downstream. This variant is expected to result in nonsense mediated decay, truncation, or a dysfunctional protein product. This variant is rare in the general population with a frequency below the threshold expected for the associated phenotype(s). Given the available evidence, this variant is classified as Likely Pathogenic.